The following is an entry in ClinVar:

ClinVar aggregate classification (germline): Uncertain significance (1 of 4 stars; one submission).

Conditions:
Leukocyte adhesion deficiency 1 (LAD1). Also called: LEUKOCYTE ADHESION DEFICIENCY, TYPE I; LAD 1; Lymphocyte function-associated antigen 1 immunodeficiency; LFA 1 immunodeficiency. Identifiers: Orphanet 2968, Orphanet 99842, MedGen C0398738, MONDO:0007293, OMIM 116920.

Allele frequency attached by ClinVar (database versions not stated): gnomAD exomes below 0.00001 and 0.00006; gnomAD 0.00002.
gnomAD v4.1: 91 of 1,611,482 alleles (0.0056%); highest among the groups gnomAD compares: Non-Finnish European, 0.0077%; no homozygotes.

Submission:

Labcorp Genetics (formerly Invitae), Labcorp
Classification: Uncertain significance for Leukocyte adhesion deficiency 1. Last evaluated: 2025-09-22. Review status: criteria provided, single submitter. Criteria: Invitae Variant Classification Sherloc (09022015). Collection method: clinical testing. Allele origin: germline.
Comment: This sequence change replaces leucine, which is neutral and non-polar, with glutamine, which is neutral and polar, at codon 676 of the ITGB2 protein (p.Leu676Gln). This variant is present in population databases (no rsID available, gnomAD 0.0009%). This variant has not been reported in the literature in individuals affected with ITGB2-related conditions. ClinVar contains an entry for this variant (Variation ID: 1510507). Invitae Evidence Modeling of protein sequence and biophysical properties (such as structural, functional, and spatial information, amino acid conservation, physicochemical variation, residue mobility, and thermodynamic stability) has been performed for this missense variant. However, the output from this modeling did not meet the statistical confidence thresholds required to predict the impact of this variant on ITGB2 protein function. In summary, the available evidence is currently insufficient to determine the role of this variant in disease. Therefore, it has been classified as a Variant of Uncertain Significance.

NM_000211.5(ITGB2):c.2027T>A (p.Leu676Gln)

Gene: ITGB2 (integrin subunit beta 2; minus strand). Cytogenetic location: 21q22.3.
Variant type: single nucleotide variant.
Coding change: c.2027T>A on transcript NM_000211.5 (MANE Select); coding-DNA position 2027, T replaced by A.
Protein change: p.Leu676Gln; replaces leucine 676 with glutamine.
Molecular consequence: missense variant.
Genome position (GRCh38, 1-based): chr21:44,888,746, A>T on the plus strand (T>A on the coding strand, the complement: ITGB2 is on the minus strand). VCF-style: chr21-44888746-A-T. GRCh37 (hg19) VCF-style: chr21-46308661-A-T.
Other names: c.2027T>A, p.Leu676Gln (NM_001127491.3); c.1820T>A, p.Leu607Gln (NM_001303238.2); short protein forms L607Q, L676Q.
Identifiers: ClinVar variation 1510507 (VCV001510507.8), dbSNP rs986681121, ClinGen allele CA321892530.